The following is an entry in ClinVar:

NM_018297.4(NGLY1):c.1370G>C (p.Gly457Ala)

Gene: NGLY1 (N-glycanase 1; minus strand). Cytogenetic location: 3p24.2.
Variant type: single nucleotide variant.
Coding change: c.1370G>C on transcript NM_018297.4 (MANE Select); coding-DNA position 1370, G replaced by C.
Protein change: p.Gly457Ala; replaces glycine 457 with alanine.
Molecular consequence: missense variant.
Genome position (GRCh38, 1-based): chr3:25,732,374, C>G on the plus strand (G>C on the coding strand, the complement: NGLY1 is on the minus strand). VCF-style: chr3-25732374-C-G. GRCh37 (hg19) VCF-style: chr3-25773865-C-G.
Other names: c.1316G>C, p.Gly439Ala (NM_001145293.2); c.1244G>C, p.Gly415Ala (NM_001145294.2); c.1370G>C, p.Gly457Ala (NM_001145295.2); short protein forms G415A, G439A, G457A.
Identifiers: ClinVar variation 1053241 (VCV001053241.1), dbSNP rs2125465989, ClinGen allele CA351898870.
Genomic context (GRCh38, chr3:25,732,374, plus strand): 5'-AATACCTGTAGACCCATTTCACCTCGGGCTACTCTCCAAGCCACTGACCCAGATATTCTT[C>G]CCCCAAGTTCTCCAGGTTTAGGGGTTTTGGGAGATATAAATTCAACAAGCTCCACAATTA-3'
Protein context (NP_060767.2, residues 447-467): PKTPKPGELG[Gly457Ala]RISGSVAWRV

ClinVar aggregate classification (germline): Uncertain significance (1 of 4 stars; one submission).

Conditions:
Congenital disorder of deglycosylation (CDDG). Identifiers: MedGen C3808991, MONDO:0031376.

Submission:

Labcorp Genetics (formerly Invitae), Labcorp
Classification: Uncertain significance for Congenital disorder of deglycosylation. Last evaluated: 2020-07-16. Review status: criteria provided, single submitter. Criteria: Invitae Variant Classification Sherloc (09022015). Collection method: clinical testing. Allele origin: germline.
Comment: This sequence change replaces glycine with alanine at codon 457 of the NGLY1 protein (p.Gly457Ala). The glycine residue is highly conserved and there is a small physicochemical difference between glycine and alanine. This variant is not present in population databases (ExAC no frequency). This variant has not been reported in the literature in individuals with NGLY1-related conditions. Algorithms developed to predict the effect of missense changes on protein structure and function are either unavailable or do not agree on the potential impact of this missense change (SIFT: Deleterious; PolyPhen-2: Probably Damaging; Align-GVGD: Class C0). In summary, the available evidence is currently insufficient to determine the role of this variant in disease. Therefore, it has been classified as a Variant of Uncertain Significance.